The following is an entry in ClinVar:

NM_004360.5(CDH1):c.2549_2550del (p.Ser850fs)

Gene: CDH1 (cadherin 1; plus strand). Cytogenetic location: 16q22.1.
Variant type: Deletion.
Coding change: c.2549_2550del on transcript NM_004360.5 (MANE Select); coding-DNA positions 2549 to 2550, 2 bases deleted (CC; older notation c.2549_2550delCC).
Protein change: p.Ser850fs; shifts the reading frame from serine 850.
Molecular consequence: frameshift variant.
Genome position (GRCh38, 1-based): chr16:68,833,399-68,833,400, CC deleted. VCF-style (leftmost placement, unchanged base first): chr16-68833398-TCC-T. GRCh37 (hg19) VCF-style: chr16-68867301-TCC-T.
Other names: c.2549_2550del (LRG_301t1); c.2366_2367del, p.Ser789fs (NM_001317184.2); c.1001_1002del, p.Ser334fs (NM_001317185.2); c.584_585del, p.Ser195fs (NM_001317186.2); short protein forms S334fs, S850fs, S789fs, S195fs.
Identifiers: ClinVar variation 141951 (VCV000141951.4), dbSNP rs587782135, ClinGen allele CA166884.
Genomic context (GRCh38, chr16:68,833,398, plus strand): 5'-CTGCTCGTGTTTGACTATGAAGGAAGCGGTTCCGAAGCTGCTAGTCTGAGCTCCCTGAAC[TCC>T]TCAGAGTCAGACAAAGACCAGGACTATGACTACTTGAACGAATGGGGCAATCGCTTCAAG-3'

ClinVar aggregate classification (germline): Uncertain significance. Review status: reviewed by expert panel (3 of 4 stars). 2 submissions from 2 submitters: Uncertain significance (1). 1 of the submissions does not count toward it. Last evaluated 2023-08-04.

Conditions:
CDH1-related diffuse gastric and lobular breast cancer syndrome. Also called: CDH1-related diffuse gastric and lobular breast cancer. Identifiers: MedGen CN311521, MONDO:0100488.
Hereditary cancer-predisposing syndrome. Also called: Neoplastic Syndromes, Hereditary; Tumor predisposition; Hereditary Cancer Syndrome; Hereditary neoplastic syndrome. Identifiers: Orphanet 140162, MedGen C0027672, MeSH D009386, MONDO:0015356.

Submissions (2):

Clingen Gastric Cancer Variant Curation Expert Panel
Classification: Uncertain significance for CDH1-related diffuse gastric and lobular breast cancer syndrome. Last evaluated: 2023-08-04. Review status: reviewed by expert panel. Criteria: ClinGen CDH1 ACMG Specifications V3.1. Collection method: curation. Allele origin: germline. Inheritance: Autosomal dominant inheritance.
Comment: The c.2549_2550delCC (p.Ser850PhefsTer10) variant results in a premature stop codon that leads to a truncated protein. It is located within the nonsense mediated decay resistant zone, and downstream of codon 836 where the most 3' pathogenic variant in CDH1 terminates (PVS1_Moderate, PMID: 29798843). This variant is absent in the gnomAD cohort (PM2_Supporting). In summary, the clinical significance of this variant is uncertain based on the ACMG/AMP criteria applied as specified by the CDH1 Variant Curation Expert Panel (CDH1 VCEP specifications version 3.1): PVS1_Moderate, PM2_Supporting.

Ambry Genetics
Classification: Uncertain significance for Hereditary cancer-predisposing syndrome. Last evaluated: 2014-01-02. Review status: criteria provided, single submitter. Criteria: Ambry Autosomal Dominant and X-Linked criteria (10/2015). Collection method: clinical testing. Allele origin: germline. Observed: 1 variant allele. Not counted in ClinVar's aggregate classification.
Comment: The c.2549_2550delCC variant located in coding exon 16 of the CDH1 gene, results from a deletion of two nucleotides at positions 2549 and 2550, causing a translational frameshift with a predicted alternate stop codon. Per ACMG guidelines this variant could be interpreted as a disease-causing mutation (ACMG Recommendations for Standards for Interpretation and Reporting of Sequence Variations. Revision 2007. Genet Med 2008;10:294); however this deletion and subsequent frameshift occur at the 3' terminus of CDH1 and results in the removal of only the last 24 amino acids of the protein. The exact functional impact of these deleted amino acids is unknown at this time. This variant was not reported in population based cohorts in the following databases: Database of Single Nucleotide Polymorphisms (dbSNP), NHLBI Exome Sequencing Project (ESP), and 1000 Genomes Project. Since supporting evidence is limited at this time, the clinical significance of c.2549_2550delCC remains unclear.